The following is an entry in ClinVar:

ClinVar aggregate classification (germline): Uncertain significance (1 of 4 stars; one submission).

Conditions:
Hereditary cancer-predisposing syndrome. Also called: Neoplastic Syndromes, Hereditary; Tumor predisposition; Hereditary neoplastic syndrome; Hereditary Cancer Syndrome. Identifiers: Orphanet 140162, MedGen C0027672, MeSH D009386, MONDO:0015356.

Submission:

Ambry Genetics
Classification: Uncertain significance for Hereditary cancer-predisposing syndrome. Last evaluated: 2024-02-26. Review status: criteria provided, single submitter. Criteria: Ambry Variant Classification Scheme 2023. Collection method: clinical testing. Allele origin: germline.
Comment: The p.Q1006R variant (also known as c.3017A>G), located in coding exon 19 of the RAD50 gene, results from an A to G substitution at nucleotide position 3017. The glutamine at codon 1006 is replaced by arginine, an amino acid with highly similar properties. This amino acid position is conserved. In addition, the in silico prediction for this alteration is inconclusive. Based on the available evidence, the clinical significance of this alteration remains unclear.

NM_005732.4(RAD50):c.3017A>G (p.Gln1006Arg)

Gene: RAD50 (RAD50 double strand break repair protein; plus strand). Cytogenetic location: 5q31.1.
Variant type: single nucleotide variant.
Coding change: c.3017A>G on transcript NM_005732.4 (MANE Select); coding-DNA position 3017, A replaced by G.
Protein change: p.Gln1006Arg; replaces glutamine 1006 with arginine.
Molecular consequence: missense variant.
Genome position (GRCh38, 1-based): chr5:132,609,377, A>G. VCF-style: chr5-132609377-A-G. GRCh37 (hg19) VCF-style: chr5-131945069-A-G.
Other names: short protein forms Q1006R.
Identifiers: ClinVar variation 3224969 (VCV003224969.1), dbSNP rs772380135, ClinGen allele CA360960996.
Genomic context (GRCh38, chr5:132,609,377, plus strand): 5'-AACTAAGTGAATGCGAGAAACACAAAGAAAAGATAAATGAAGATATGAGACTCATGAGAC[A>G]AGATATTGATACACAGAAGGTAGGTCTGTTTTGCTTATGATATCACTTACACCTATGACA-3'
Protein context (NP_005723.2, residues 996-1016): KINEDMRLMR[Gln1006Arg]DIDTQKIQER